The following is an entry in ClinVar:

NM_001845.6(COL4A1):c.2491C>T (p.Pro831Ser)

Gene: COL4A1 (collagen type IV alpha 1 chain; minus strand). Cytogenetic location: 13q34.
Variant type: single nucleotide variant.
Coding change: c.2491C>T on transcript NM_001845.6 (MANE Select); coding-DNA position 2491, C replaced by T.
Protein change: p.Pro831Ser; replaces proline 831 with serine.
Molecular consequence: missense variant.
Genome position (GRCh38, 1-based): chr13:110,178,199, G>A on the plus strand (C>T on the coding strand, the complement: COL4A1 is on the minus strand). VCF-style: chr13-110178199-G-A. GRCh37 (hg19) VCF-style: chr13-110830546-G-A.
Other names: short protein forms P831S.
Identifiers: ClinVar variation 2790598 (VCV002790598.3), dbSNP rs2501780545, ClinGen allele CA388667983.
Genomic context (GRCh38, chr13:110,178,199, plus strand): 5'-GGAGTCCTTGAGCCCCTTTATCTCCTTTAGGGCCCGGCATGTCCAGTCCAGGGAATCCGG[G>A]GAAACCCTTCTCTCCTTTTATTCCAGGAGGGCCTGCAGTTGGGTGAAACACAAATAACTT-3'
Protein context (NP_001836.3, residues 821-841): PPGIKGEKGF[Pro831Ser]GFPGLDMPGP

ClinVar aggregate classification (germline): Uncertain significance (1 of 4 stars; one submission).

Submission:

Labcorp Genetics (formerly Invitae), Labcorp
Classification: Uncertain significance. Last evaluated: 2023-03-17. Review status: criteria provided, single submitter. Criteria: Invitae Variant Classification Sherloc (09022015). Collection method: clinical testing. Allele origin: germline.
Comment: In summary, the available evidence is currently insufficient to determine the role of this variant in disease. Therefore, it has been classified as a Variant of Uncertain Significance. An algorithm developed to predict the effect of missense changes on protein structure and function (PolyPhen-2) suggests that this variant is likely to be disruptive. This variant has not been reported in the literature in individuals affected with COL4A1-related conditions. This variant is not present in population databases (gnomAD no frequency). This sequence change replaces proline, which is neutral and non-polar, with serine, which is neutral and polar, at codon 831 of the COL4A1 protein (p.Pro831Ser).